The following is an entry in ClinVar:

NM_000203.5(IDUA):c.1365_1372del (p.Val456fs)

Gene: IDUA (alpha-L-iduronidase; plus strand). Cytogenetic location: 4p16.3.
Variant type: Deletion.
Coding change: c.1365_1372del on transcript NM_000203.5 (MANE Select); coding-DNA positions 1365 to 1372, 8 bases deleted (GGTGACCC; older notation c.1365_1372delGGTGACCC).
Protein change: p.Val456fs; shifts the reading frame from valine 456.
Molecular consequence: frameshift variant. On other transcripts: non-coding transcript variant (1).
Genome position (GRCh38, 1-based): chr4:1,002,907-1,002,914, GGTGACCC deleted; deleting any 8 consecutive bases within chr4:1,002,906-1,002,914 gives the same sequence; the c. name uses the placement nearest the transcript's 3' end. VCF-style (leftmost placement, unchanged base first): chr4-1002905-GCGGTGACC-G. GRCh37 (hg19) VCF-style: chr4-996693-GCGGTGACC-G.
Other names: c.969_976del, p.Val324fs (NM_001363576.1); short protein forms V324fs, V456fs.
Identifiers: ClinVar variation 4886356 (VCV004886356.2).
Genomic context (GRCh38, chr4:1,002,905, plus strand): 5'-CGCGCCGCGGTGCTGATCTACGCGAGCGACGACACCCGCGCCCACCCCAACCGCAGCGTC[GCGGTGACC>G]CTGCGGCTGCGCGGGGTGCCCCCCGGCCCGGGTAAGCCGGGGTTCCAGGGAGGTCTCTGG-3'

ClinVar aggregate classification (germline): Uncertain significance (1 of 4 stars; one submission).

Submission:

Dasa
Classification: Uncertain significance. Last evaluated: 2026-02-21. Review status: criteria provided, single submitter. Criteria: DASA Assertion Criteria. Collection method: clinical testing. Allele origin: germline.
Comment: NM_000203.5(IDUA):c.1365_1372del (p.Val456Alafs*50) is a frameshift variant in IDUA predicted to alter the reading frame and introduce a premature termination codon and is predicted to result in an absent or altered protein product. This variant is rare in population databases. The currently available literature and clinical evidence are not sufficient to establish a definitive association between this variant and the reported condition. Therefore, this variant is classified as a variant of uncertain significance.